The following is an entry in ClinVar:

NM_032242.4(PLXNA1):c.3096C>T (p.Arg1032=)

Gene: PLXNA1 (plexin A1; plus strand). Cytogenetic location: 3q21.3.
Variant type: single nucleotide variant.
Coding change: c.3096C>T on transcript NM_032242.4 (MANE Select); coding-DNA position 3096, C replaced by T.
Protein change: p.Arg1032=; no amino-acid change (arginine 1032 retained).
Molecular consequence: synonymous variant.
Genome position (GRCh38, 1-based): chr3:127,016,598, C>T. VCF-style: chr3-127016598-C-T. GRCh37 (hg19) VCF-style: chr3-126735441-C-T.
Identifiers: ClinVar variation 3049188 (VCV003049188.2), dbSNP rs535990898, ClinGen allele CA2593896.

ClinVar aggregate classification (germline): Likely benign (0 of 4 stars; one submission).

Conditions:
PLXNA1-related disorder. Also called: PLXNA1-related condition.

Allele frequency attached by ClinVar (database versions not stated): TOPMed 0.00002; gnomAD 0.00003; ExAC 0.00006; 1000 Genomes Project 30x 0.00016; 1000 Genomes Project 0.00020.
gnomAD v4.1: 25 of 1,614,028 alleles (0.0015%); highest among the groups gnomAD compares: East Asian, 0.022%; 1 homozygote.

Submission:

PreventionGenetics, part of Exact Sciences
Classification: Likely benign for PLXNA1-related condition. Last evaluated: 2024-02-16. Review status: no assertion criteria provided. Collection method: clinical testing. Allele origin: germline.
Comment: This variant is classified as likely benign based on ACMG/AMP sequence variant interpretation guidelines (Richards et al. 2015 PMID: 25741868, with internal and published modifications).